The following is an entry in ClinVar:

NM_005560.6(LAMA5):c.687+6_687+52del

Gene: LAMA5 (laminin subunit alpha 5; minus strand). Cytogenetic location: 20q13.33.
Variant type: Deletion.
Coding change: c.687+6_687+52del on transcript NM_005560.6 (MANE Select); bases 6 to 52 of the intron after coding-DNA position 687, 47 bases deleted.
Molecular consequence: splice donor variant.
Genome position (GRCh38, 1-based): chr20:62,352,190-62,352,236, 47 bases deleted; deleting any 47 consecutive bases within chr20:62,352,190-62,352,256 gives the same sequence; the c. name uses the placement nearest the transcript's 3' end. GRCh37 (hg19): chr20:60,927,266-60,927,312.
Identifiers: ClinVar variation 1908960 (VCV001908960.3), dbSNP rs1300261055, ClinGen allele CA636610976.

ClinVar aggregate classification (germline): Uncertain significance (1 of 4 stars; one submission).

Submission:

Labcorp Genetics (formerly Invitae), Labcorp
Classification: Uncertain significance. Last evaluated: 2023-12-21. Review status: criteria provided, single submitter. Criteria: Invitae Variant Classification Sherloc (09022015). Collection method: clinical testing. Allele origin: germline.
Comment: This sequence change falls in intron 4 of the LAMA5 gene. It does not directly change the encoded amino acid sequence of the LAMA5 protein. It affects a nucleotide within the consensus splice site. The frequency data for this variant in the population databases is considered unreliable, as metrics indicate poor data quality at this position in the gnomAD database. This variant has not been reported in the literature in individuals affected with LAMA5-related conditions. ClinVar contains an entry for this variant (Variation ID: 1908960). Variants that disrupt the consensus splice site are a relatively common cause of aberrant splicing (PMID: 17576681, 9536098). In summary, the available evidence is currently insufficient to determine the role of this variant in disease. Therefore, it has been classified as a Variant of Uncertain Significance.

Literature cited by the submitters: PubMed 17576681; PubMed 9536098.